The following is an entry in ClinVar:

ClinVar aggregate classification (germline): Pathogenic (1 of 4 stars; one submission).

Conditions:
LAMA2-related muscular dystrophy (LAMA2-RD). Also called: Laminin alpha 2-related dystrophy. Identifiers: MedGen C5679788, MONDO:0100228.

Submission:

Labcorp Genetics (formerly Invitae), Labcorp
Classification: Pathogenic for LAMA2-related muscular dystrophy. Last evaluated: 2023-12-14. Review status: criteria provided, single submitter. Criteria: Invitae Variant Classification Sherloc (09022015). Collection method: clinical testing. Allele origin: germline.
Comment: This variant results in a copy number gain of the genomic region encompassing exon(s) 2-22 of the LAMA2 gene. While the exact position of this variant cannot be determined from the data, sub-genic copy number gains are generally in tandem (PMID: 25640679). This variant is predicted to be out-of-frame, and may result in an absent or disrupted protein product. Loss-of-function variants in LAMA2 are known to be pathogenic (PMID: 18700894, 32904964). A similar copy number variant has been observed in individual(s) with LAMA2-related conditions (Invitae). In at least one individual the data is consistent with being in trans (on the opposite chromosome) from a pathogenic variant. For these reasons, this variant has been classified as Pathogenic.

Literature cited by the submitters: PubMed 25640679; PubMed 18700894; PubMed 32904964.

NC_000006.11:g.(?_129371043)_(129622037_?)dup

Gene: LAMA2 (laminin subunit alpha 2; plus strand). Cytogenetic location: 6q22.33.
Variant type: Duplication.
Identifiers: ClinVar variation 543888 (VCV000543888.7).